The following is an entry in ClinVar:

ClinVar aggregate classification (germline): Uncertain significance. Review status: criteria provided, single submitter (1 of 4 stars). 2 submissions from 2 submitters: Uncertain significance (1). 1 of the submissions does not count toward it. Last evaluated 2024-11-18.

Conditions:
Cognitive impairment - coarse facies - heart defects - obesity - pulmonary involvement - short stature - skeletal dysplasia syndrome. Also called: COGNITIVE IMPAIRMENT, COARSE FACIES, HEART DEFECTS, OBESITY, PULMONARY INVOLVEMENT, SHORT STATURE, AND SKELETAL DYSPLASIA; Chops syndrome; AFF4-Related CHOPS Syndrome. Identifiers: Orphanet 444077, MedGen C4085597, MONDO:0014609, OMIM 616368.
AFF4-related disorder. Also called: AFF4-related condition.

Allele frequency attached by ClinVar (database versions not stated): gnomAD exomes 0.00001; ExAC 0.00002; gnomAD 0.00002; TOPMed 0.00002.
gnomAD v4.1: 8 of 1,613,934 alleles (0.0005%); highest among the groups gnomAD compares: African/African-American, 0.0067%; no homozygotes.

Submissions (2):

Labcorp Genetics (formerly Invitae), Labcorp
Classification: Uncertain significance for Cognitive impairment - coarse facies - heart defects - obesity - pulmonary involvement - short stature - skeletal dysplasia syndrome. Last evaluated: 2024-11-18. Review status: criteria provided, single submitter. Criteria: Invitae Variant Classification Sherloc (09022015). Collection method: clinical testing. Allele origin: germline.
Comment: This sequence change replaces proline, which is neutral and non-polar, with serine, which is neutral and polar, at codon 782 of the AFF4 protein (p.Pro782Ser). This variant is present in population databases (rs769097556, gnomAD 0.007%). This variant has not been reported in the literature in individuals affected with AFF4-related conditions. ClinVar contains an entry for this variant (Variation ID: 2148640). Invitae Evidence Modeling of protein sequence and biophysical properties (such as structural, functional, and spatial information, amino acid conservation, physicochemical variation, residue mobility, and thermodynamic stability) indicates that this missense variant is not expected to disrupt AFF4 protein function with a negative predictive value of 80%. In summary, the available evidence is currently insufficient to determine the role of this variant in disease. Therefore, it has been classified as a Variant of Uncertain Significance.

PreventionGenetics, part of Exact Sciences
Classification: Uncertain significance for AFF4-related condition. Last evaluated: 2024-04-15. Review status: no assertion criteria provided. Collection method: clinical testing. Allele origin: germline. Not counted in ClinVar's aggregate classification.
Comment: The AFF4 c.2344C>T variant is predicted to result in the amino acid substitution p.Pro782Ser. To our knowledge, this variant has not been reported in the literature. This variant is reported in 0.012% of alleles in individuals of African descent in gnomAD. At this time, the clinical significance of this variant is uncertain due to the absence of conclusive functional and genetic evidence.

NM_014423.4(AFF4):c.2344C>T (p.Pro782Ser)

Gene: AFF4 (ALF transcription elongation factor 4; minus strand). Cytogenetic location: 5q31.1.
Variant type: single nucleotide variant.
Coding change: c.2344C>T on transcript NM_014423.4 (MANE Select); coding-DNA position 2344, C replaced by T.
Protein change: p.Pro782Ser; replaces proline 782 with serine.
Molecular consequence: missense variant.
Genome position (GRCh38, 1-based): chr5:132,893,082, G>A on the plus strand (C>T on the coding strand, the complement: AFF4 is on the minus strand). VCF-style: chr5-132893082-G-A. GRCh37 (hg19) VCF-style: chr5-132228774-G-A.
Other names: c.2344C>T (NM_014423.3); short protein forms P782S.
Identifiers: ClinVar variation 2148640 (VCV002148640.5), dbSNP rs769097556, ClinGen allele CA3408950.